The following is an entry in ClinVar:

ClinVar aggregate classification (germline): Uncertain significance (1 of 4 stars; one submission).

Allele frequency attached by ClinVar (database versions not stated): gnomAD exomes below 0.00001; ExAC 0.00001.
gnomAD v4.1: 3 of 1,493,144 alleles (0.0002%); highest among the groups gnomAD compares: Non-Finnish European, 0.00028%; no homozygotes.

Submission:

Labcorp Genetics (formerly Invitae), Labcorp
Classification: Uncertain significance. Last evaluated: 2022-06-27. Review status: criteria provided, single submitter. Criteria: Invitae Variant Classification Sherloc (09022015). Collection method: clinical testing. Allele origin: germline.
Comment: In summary, the available evidence is currently insufficient to determine the role of this variant in disease. Therefore, it has been classified as a Variant of Uncertain Significance. Algorithms developed to predict the effect of missense changes on protein structure and function (SIFT, PolyPhen-2, Align-GVGD) all suggest that this variant is likely to be tolerated. This variant has not been reported in the literature in individuals affected with HELLS-related conditions. This variant is present in population databases (rs760959215, gnomAD 0.0009%). This sequence change replaces valine, which is neutral and non-polar, with methionine, which is neutral and non-polar, at codon 150 of the HELLS protein (p.Val150Met).

NM_018063.5(HELLS):c.448G>A (p.Val150Met)

Gene: HELLS (helicase, lymphoid specific; plus strand). Cytogenetic location: 10q23.33.
Variant type: single nucleotide variant.
Coding change: c.448G>A on transcript NM_018063.5 (MANE Select); coding-DNA position 448, G replaced by A.
Protein change: p.Val150Met; replaces valine 150 with methionine.
Molecular consequence: missense variant. On other transcripts: 5 prime UTR variant (2).
Genome position (GRCh38, 1-based): chr10:94,571,400, G>A. VCF-style: chr10-94571400-G-A. GRCh37 (hg19) VCF-style: chr10-96331157-G-A.
Other names: c.448G>A, p.Val150Met (NM_001289067.2, NM_001289069.2, NM_001289070.2 and 1 more transcripts); c.400G>A, p.Val134Met (NM_001289068.2); c.76G>A, p.Val26Met (NM_001289071.2); c.34G>A, p.Val12Met (NM_001289073.2); c.-555G>A (NM_001289074.2); c.-574G>A (NM_001289075.2); short protein forms V26M, V12M, V134M, V150M.
Identifiers: ClinVar variation 1914863 (VCV001914863.5), dbSNP rs760959215, ClinGen allele CA5615288.